The following is an entry in ClinVar:

ClinVar aggregate classification (germline): Uncertain significance (1 of 4 stars; one submission).

Conditions:
Inborn genetic diseases. Identifiers: MedGen C0950123, MeSH D030342.

gnomAD v4.1: 1 of 1,614,120 alleles (0.000062%); highest among the groups gnomAD compares: South Asian, 0.0011%; no homozygotes.

Submission:

Ambry Genetics
Classification: Uncertain significance for Inborn genetic diseases. Last evaluated: 2025-03-31. Review status: criteria provided, single submitter. Criteria: Ambry Variant Classification Scheme 2023. Collection method: clinical testing. Allele origin: germline.
Comment: The p.P167H variant (also known as c.500C>A), located in coding exon 1 of the SAMD9L gene, results from a C to A substitution at nucleotide position 500. The proline at codon 167 is replaced by histidine, an amino acid with similar properties. This amino acid position is conserved. In addition, the in silico prediction for this alteration is inconclusive. Based on the available evidence, the clinical significance of this variant remains unclear.

NM_152703.5(SAMD9L):c.500C>A (p.Pro167His)

Gene: SAMD9L (sterile alpha motif domain containing 9 like; minus strand). Cytogenetic location: 7q21.2.
Variant type: single nucleotide variant.
Coding change: c.500C>A on transcript NM_152703.5 (MANE Select); coding-DNA position 500, C replaced by A.
Protein change: p.Pro167His; replaces proline 167 with histidine.
Molecular consequence: missense variant.
Genome position (GRCh38, 1-based): chr7:93,135,472, G>T on the plus strand (C>A on the coding strand, the complement: SAMD9L is on the minus strand). VCF-style: chr7-93135472-G-T. GRCh37 (hg19) VCF-style: chr7-92764785-G-T.
Other names: c.500C>A, p.Pro167His (NM_001303496.3, NM_001303497.3, NM_001303498.3 and 5 more transcripts); short protein forms P167H.
Identifiers: ClinVar variation 3949793 (VCV003949793.1).